The following is an entry in ClinVar:

ClinVar aggregate classification (germline): Uncertain significance. Review status: criteria provided, multiple submitters, no conflicts (2 of 4 stars). 2 submissions from 2 submitters: Uncertain significance (2). Last evaluated 2022-06-13.

Conditions:
Bardet-Biedl syndrome (BBS). Identifiers: Orphanet 110, MedGen C0752166, MONDO:0015229.
Bardet-Biedl syndrome 9 (BBS9). Identifiers: Orphanet 110, MedGen C1859567, MONDO:0014437, OMIM 615986.

Allele frequency attached by ClinVar (database versions not stated): TOPMed 0.00001; gnomAD 0.00002.
gnomAD v4.1: 3 of 1,607,172 alleles (0.00019%); highest among the groups gnomAD compares: African/African-American, 0.004%; no homozygotes.

Submissions (2):

Labcorp Genetics (formerly Invitae), Labcorp
Classification: Uncertain significance for Bardet-Biedl syndrome. Last evaluated: 2022-06-13. Review status: criteria provided, single submitter. Criteria: Invitae Variant Classification Sherloc (09022015). Collection method: clinical testing. Allele origin: germline.
Comment: In summary, the available evidence is currently insufficient to determine the role of this variant in disease. Therefore, it has been classified as a Variant of Uncertain Significance. Algorithms developed to predict the effect of missense changes on protein structure and function output the following: SIFT: "Deleterious"; PolyPhen-2: "Benign"; Align-GVGD: "Class C0". The isoleucine amino acid residue is found in multiple mammalian species, which suggests that this missense change does not adversely affect protein function. ClinVar contains an entry for this variant (Variation ID: 1017297). This variant has not been reported in the literature in individuals affected with BBS9-related conditions. This variant is present in population databases (no rsID available, gnomAD 0.01%). This sequence change replaces methionine, which is neutral and non-polar, with isoleucine, which is neutral and non-polar, at codon 477 of the BBS9 protein (p.Met477Ile).

Fulgent Genetics
Classification: Uncertain significance for Bardet-Biedl syndrome 9. Last evaluated: 2022-01-13. Review status: criteria provided, single submitter. Criteria: ACMG Guidelines, 2015. Collection method: clinical testing. Allele origin: unknown.

NM_198428.3(BBS9):c.1431G>A (p.Met477Ile)

Gene: BBS9 (Bardet-Biedl syndrome 9; plus strand). Cytogenetic location: 7p14.3.
Variant type: single nucleotide variant.
Coding change: c.1431G>A on transcript NM_198428.3 (MANE Select); coding-DNA position 1431, G replaced by A.
Protein change: p.Met477Ile; replaces methionine 477 with isoleucine.
Molecular consequence: missense variant. On other transcripts: non-coding transcript variant (3).
Genome position (GRCh38, 1-based): chr7:33,349,169, G>A. VCF-style: chr7-33349169-G-A. GRCh37 (hg19) VCF-style: chr7-33388781-G-A.
Other names: c.1431G>A, p.Met477Ile (NM_001033604.2, NM_001033605.2, NM_001348036.1 and 5 more transcripts); c.1065G>A, p.Met355Ile (NM_001348037.3, NM_001348044.3, NM_001348045.3 and 1 more transcripts); c.1158G>A, p.Met386Ile (NM_001348038.3, NM_001348039.3); c.1296G>A, p.Met432Ile (NM_001348042.3); short protein forms M355I, M386I, M432I, M477I.
Identifiers: ClinVar variation 1017297 (VCV001017297.9), dbSNP rs1443035026, ClinGen allele CA367255657.